The following is an entry in ClinVar:

ClinVar aggregate classification (germline): Pathogenic (1 of 4 stars; one submission).

Conditions:
Spongy degeneration of central nervous system. Also called: ASP DEFICIENCY; ASPA DEFICIENCY; ASPARTOACYLASE DEFICIENCY; CANAVAN-VAN BOGAERT-BERTRAND DISEASE; Canavan disease; Von Bogaert-Bertrand disease. Identifiers: Orphanet 141, MedGen C0206307, MONDO:0010079, OMIM 271900.

Submission:

Labcorp Genetics (formerly Invitae), Labcorp
Classification: Pathogenic for Spongy degeneration of central nervous system. Last evaluated: 2022-04-24. Review status: criteria provided, single submitter. Criteria: Invitae Variant Classification Sherloc (09022015). Collection method: clinical testing. Allele origin: germline.
Comment: This variant is a gross deletion of the genomic region encompassing exon(s) 1 of the ASPA gene, which includes the initiator codon. This deletion extends beyond the assayed region for this gene and therefore may encompass additional genes. It is expected to result in an absent or disrupted protein product. Loss-of-function variants in ASPA are known to be pathogenic (PMID: 12638939). This variant has not been reported in the literature in individuals affected with ASPA-related conditions. For these reasons, this variant has been classified as Pathogenic.

Literature cited by the submitters: PubMed 12638939.

NC_000017.10:g.(?_3379444)_(3379699_?)del

Gene: ASPA (aspartoacylase; plus strand). Cytogenetic location: 17p13.2.
Variant type: Deletion.
Identifiers: ClinVar variation 2422201 (VCV002422201.3).